The following is an entry in ClinVar:

ClinVar aggregate classification (germline): Pathogenic. Review status: criteria provided, multiple submitters, no conflicts (2 of 4 stars). 3 submissions from 3 submitters: Pathogenic (3). Last evaluated 2026-07-21.

Conditions:
Breast-ovarian cancer, familial, susceptibility to, 2 (BROVCA2). Also called: BRCA2 Hereditary Breast and Ovarian Cancer. Identifiers: Orphanet 145, MedGen C2675520, MONDO:0012933, OMIM 612555. Disease mechanism: loss of function.
Hereditary breast ovarian cancer syndrome. Also called: Hereditary breast and ovarian cancer; Hereditary breast and ovarian cancer syndrome (HBOC); Breast and ovarian cancer; Hereditary breast and/or ovarian cancer syndrome; Hereditary breast and ovarian cancer syndrome; BRCA1- and BRCA2-Associated Hereditary Breast and Ovarian Cancer. Identifiers: Orphanet 145, MedGen C0677776, MeSH D061325, MONDO:0003582. Disease mechanism: loss of function.
Hereditary cancer-predisposing syndrome. Also called: Tumor predisposition; Hereditary Cancer Syndrome; Hereditary neoplastic syndrome; Neoplastic Syndromes, Hereditary. Identifiers: Orphanet 140162, MedGen C0027672, MeSH D009386, MONDO:0015356.

Submissions (3):

Myriad Genetics, Inc.
Classification: Pathogenic for Breast-ovarian cancer, familial, susceptibility to, 2. Last evaluated: 2026-07-21. Review status: criteria provided, single submitter. Criteria: Myriad Autosomal Dominant, Autosomal Recessive and X-Linked Classification Criteria (2023). Collection method: clinical testing. Allele origin: unknown.
Comment: This variant is considered pathogenic. This variant creates a frameshift predicted to result in premature protein truncation.

Ambry Genetics
Classification: Pathogenic for Hereditary cancer-predisposing syndrome. Last evaluated: 2025-05-01. Review status: criteria provided, single submitter. Criteria: Ambry Variant Classification Scheme 2023. Collection method: clinical testing. Allele origin: germline.
Comment: The c.1129delG pathogenic mutation, located in coding exon 9 of the BRCA2 gene, results from a deletion of one nucleotide at nucleotide position 1129, causing a translational frameshift with a predicted alternate stop codon (p.E377Rfs*22). This variant is considered to be rare based on population cohorts in the Genome Aggregation Database (gnomAD). This alteration is expected to result in loss of function by premature protein truncation or nonsense-mediated mRNA decay. As such, this alteration is interpreted as a disease-causing mutation.

Labcorp Genetics (formerly Invitae), Labcorp
Classification: Pathogenic for Hereditary breast ovarian cancer syndrome. Last evaluated: 2023-10-20. Review status: criteria provided, single submitter. Criteria: Invitae Variant Classification Sherloc (09022015). Collection method: clinical testing. Allele origin: germline.
Comment: This sequence change creates a premature translational stop signal (p.Glu377Argfs*22) in the BRCA2 gene. It is expected to result in an absent or disrupted protein product. Loss-of-function variants in BRCA2 are known to be pathogenic (PMID: 20104584). This variant is not present in population databases (gnomAD no frequency). This variant has not been reported in the literature in individuals affected with BRCA2-related conditions. ClinVar contains an entry for this variant (Variation ID: 1451355). For these reasons, this variant has been classified as Pathogenic.

Literature cited by the submitters: PubMed 20104584 (cited by Labcorp Genetics (formerly Invitae), Labcorp).

NM_000059.4(BRCA2):c.1129del (p.Glu377fs)

Gene: BRCA2 (BRCA2 DNA repair associated; plus strand). Cytogenetic location: 13q13.1.
Variant type: Deletion.
Coding change: c.1129del on transcript NM_000059.4 (MANE Select); coding-DNA position 1129, one base deleted (G; older notation c.1129delG).
Protein change: p.Glu377fs; shifts the reading frame from glutamic acid 377.
Molecular consequence: frameshift variant.
Genome position (GRCh38, 1-based): chr13:32,332,607, G deleted. VCF-style (leftmost placement, unchanged base first): chr13-32332606-TG-T. GRCh37 (hg19) VCF-style: chr13-32906743-TG-T.
Other names: c.1129delG (NM_000059.3); short protein forms E377fs.
Identifiers: ClinVar variation 1451355 (VCV001451355.8), dbSNP rs2137467912, ClinGen allele CA2573149338.